The following is an entry in ClinVar:

ClinVar aggregate classification (germline): Pathogenic. Review status: criteria provided, multiple submitters, no conflicts (2 of 4 stars). 7 submissions from 7 submitters: Pathogenic (4). 3 of the submissions do not count toward it. Last evaluated 2025-02-06.

Conditions:
Bartter syndrome. Identifiers: Orphanet 112, MedGen C0004775, MONDO:0015231.
Hearing loss, autosomal recessive. Also called: Autosomal recessive nonsyndromic deafness; Rare autosomal recessive non-syndromic sensorineural deafness type DFNB; Deafness, autosomal recessive; Nonsyndromic Hearing Loss, Recessive. Identifiers: Orphanet 90635, Orphanet 90636, MedGen C1846647, MONDO:0019588, OMIM 607197.
Bartter disease type 4A. Also called: BARTTER SYNDROME, TYPE 4A, NEONATAL, WITH SENSORINEURAL DEAFNESS; BARTTER SYNDROME, NEONATAL, WITH SENSORINEURAL DEAFNESS. Identifiers: Orphanet 112, MedGen C1865270, MONDO:0011242, OMIM 602522.
Sensorineural deafness with mild renal dysfunction. Identifiers: MedGen C2748440.

Allele frequency attached by ClinVar (database versions not stated): gnomAD exomes 0.00002 and 0.00001; ExAC 0.00002.
gnomAD v4.1: 17 of 1,614,126 alleles (0.0011%); highest among the groups gnomAD compares: South Asian, 0.018%; no homozygotes.

Submissions (7):

Natera, Inc.
Classification: Pathogenic for Bartter syndrome. Last evaluated: 2025-02-06. Review status: criteria provided, single submitter. Criteria: Natera Variant Classification Schema (03/2026). Collection method: clinical testing. Allele origin: germline.
Comment: The c.35T>C variant in BSND is a missense variant predicted to cause substitution of isoleucine to threonine at amino acid 12. This variant is rare in the general population with a frequency below the threshold expected for the associated phenotype(s). This variant has been observed in one or more individuals affected with the associated recessive disease, as either homozygous or compound heterozygous with a second variant (PMID: 19646679). Additionally, this variant has been observed to segregate in affected family members (PMID: 19646679). Computational prediction algorithms indicate this variant is likely to affect gene or protein function. Given the available evidence, this variant is classified as Pathogenic.

Labcorp Genetics (formerly Invitae), Labcorp
Classification: Pathogenic. Last evaluated: 2023-10-13. Review status: criteria provided, single submitter. Criteria: Invitae Variant Classification Sherloc (09022015). Collection method: clinical testing. Allele origin: germline.
Comment: This sequence change replaces isoleucine, which is neutral and non-polar, with threonine, which is neutral and polar, at codon 12 of the BSND protein (p.Ile12Thr). This variant is present in population databases (rs121908144, gnomAD 0.02%). This missense change has been observed in individual(s) with non-syndromic hearing loss (PMID: 19646679, 21541222). It has also been observed to segregate with disease in related individuals. ClinVar contains an entry for this variant (Variation ID: 4388). Advanced modeling of protein sequence and biophysical properties (such as structural, functional, and spatial information, amino acid conservation, physicochemical variation, residue mobility, and thermodynamic stability) performed at Invitae indicates that this missense variant is expected to disrupt BSND protein function. Experimental studies have shown that this missense change affects BSND function (PMID: 19646679). For these reasons, this variant has been classified as Pathogenic.

Women's Health and Genetics/Laboratory Corporation of America, LabCorp
Classification: Pathogenic for Bartter syndrome. Last evaluated: 2022-08-15. Review status: criteria provided, single submitter. Criteria: LabCorp Variant Classification Summary - May 2015. Collection method: clinical testing. Allele origin: germline.
Comment: Variant summary: BSND c.35T>C (p.Ile12Thr) results in a non-conservative amino acid change in the encoded protein sequence. Five of five in-silico tools predict a damaging effect of the variant on protein function. The variant allele was found at a frequency of 2e-05 in 251442 control chromosomes. c.35T>C has been reported in the literature as homozygous genotypes in individuals affected with non-syndromic deafness and as a compound heterozygous genotype with another loss of function variant, c.10G>T (p.E4*), in individuals with features of Bartter Syndrome, Type 4a (example, Riazuddin_2009). These data indicate that the variant is very likely to be associated with disease. At least one publication reports experimental evidence evaluating an impact on protein function demonstrating intact chloride channel function and impaired chaperone function of the protein in intracellular trafficking (Riazuddin_2009). Two clinical diagnostic laboratories have submitted clinical-significance assessments for this variant to ClinVar after 2014 without evidence for independent evaluation. All laboratories classified the variant as pathogenic. Based on the evidence outlined above, the variant was classified as pathogenic.

3billion
Classification: Pathogenic for Bartter disease type 4A. Last evaluated: 2022-05-22. Review status: criteria provided, single submitter. Criteria: ACMG Guidelines, 2015. Collection method: clinical testing. Allele origin: germline. Affected: yes. Observed: 1 homozygote.
Comment: This variant was previously reported in trans with another pathogenic variant in this gene (PMID: 19646679) and co-segregated with Sensorineural deafness with mild renal dysfunction in multiple affected family members with additional meioses meeting strong evidence levels (PMID: 19646679). In addition, it was observed in multiple affected individuals with a consistent phenotype from unrelated families (PMID: 19646679). Functional assays showed that the variant had strong level of impact on gene/protein function (PMID: 19646679). In silico prediction tools and conservation analysis predicted that this variant was probably damaging to the protein structure/function (REVEL: 0.941>=0.6, 3CNET: 0.815>=0.75). A missense variant is a common mechanism associated with Sensorineural deafness with mild renal dysfunction. It has been reported with an extremely low frequency in the gnomAD v2.1.1 dataset. Therefore, this variant is classified as pathogenic according to the recommendation of ACMG/AMP guideline.

OMIM
Classification: Pathogenic for SENSORINEURAL DEAFNESS WITH MILD RENAL DYSFUNCTION. Last evaluated: 2009-08-01. Review status: no assertion criteria provided. Collection method: literature only. Allele origin: germline. Not counted in ClinVar's aggregate classification.

University of Washington Center for Mendelian Genomics, University of Washington
Classification: Likely pathogenic for non-syndromic autosomal recessive hearing loss. Review status: no assertion criteria provided. Collection method: research. Allele origin: inherited. Affected: yes. Not counted in ClinVar's aggregate classification.

Baylor-Hopkins Center for Mendelian Genomics, Johns Hopkins University School of Medicine
Classification: Uncertain significance for Bartter disease type 4A. Review status: flagged submission. Criteria: ACMG Guidelines, 2015. Collection method: research. Allele origin: unknown. Affected: yes. Observed: 1 variant allele, 1 homozygote. Not counted in ClinVar's aggregate classification.
ClinVar note: Reason: Outlier claim with insufficient supporting evidence

Literature cited by the submitters: PubMed 19646679 (cited by 5 submitters); PubMed 21541222 (cited by Labcorp Genetics (formerly Invitae), Labcorp); PubMed 30303587 (cited by University of Washington Center for Mendelian Genomics, University of Washington).

NM_057176.3(BSND):c.35T>C (p.Ile12Thr)

Gene: BSND (barttin CLCNK type accessory subunit beta; plus strand). Cytogenetic location: 1p32.3.
Variant type: single nucleotide variant.
Coding change: c.35T>C on transcript NM_057176.3 (MANE Select); coding-DNA position 35, T replaced by C.
Protein change: p.Ile12Thr; replaces isoleucine 12 with threonine.
Molecular consequence: missense variant.
Genome position (GRCh38, 1-based): chr1:54,999,221, T>C. VCF-style: chr1-54999221-T-C. GRCh37 (hg19) VCF-style: chr1-55464894-T-C.
Other names: short protein forms I12T.
Identifiers: ClinVar variation 4388 (VCV000004388.20), dbSNP rs121908144, ClinGen allele CA116812.